The following is an entry in ClinVar:

ClinVar aggregate classification (germline): Uncertain significance (1 of 4 stars; one submission).

Conditions:
Juvenile polyposis syndrome (JPS). Identifiers: Orphanet 2929, MedGen C0345893, MONDO:0017380, OMIM 174900.

Submission:

Labcorp Genetics (formerly Invitae), Labcorp
Classification: Uncertain significance for Juvenile polyposis syndrome. Last evaluated: 2024-07-30. Review status: criteria provided, single submitter. Criteria: Invitae Variant Classification Sherloc (09022015). Collection method: clinical testing. Allele origin: germline.
Comment: This sequence change replaces valine, which is neutral and non-polar, with leucine, which is neutral and non-polar, at codon 450 of the BMPR1A protein (p.Val450Leu). This variant is not present in population databases (gnomAD no frequency). This variant has not been reported in the literature in individuals affected with BMPR1A-related conditions. ClinVar contains an entry for this variant (Variation ID: 460481). Advanced modeling performed at Invitae incorporating data from internal and/or published experimental studies (Invitae) indicates that this missense variant is not expected to disrupt BMPR1A function with a negative predictive value of 95%. In summary, the available evidence is currently insufficient to determine the role of this variant in disease. Therefore, it has been classified as a Variant of Uncertain Significance.

NM_004329.3(BMPR1A):c.1348G>C (p.Val450Leu)

Gene: BMPR1A (bone morphogenetic protein receptor type 1A; plus strand). Cytogenetic location: 10q23.2.
Variant type: single nucleotide variant.
Coding change: c.1348G>C on transcript NM_004329.3 (MANE Select); coding-DNA position 1348, G replaced by C.
Protein change: p.Val450Leu; replaces valine 450 with leucine.
Molecular consequence: missense variant.
Genome position (GRCh38, 1-based): chr10:86,923,381, G>C. VCF-style: chr10-86923381-G-C. GRCh37 (hg19) VCF-style: chr10-88683138-G-C.
Other names: short protein forms V450L.
Identifiers: ClinVar variation 460481 (VCV000460481.10), dbSNP rs55932635, ClinGen allele CA377462621.
Genomic context (GRCh38, chr10:86,923,381, plus strand): 5'-GGTATATCTTGTCCAGCAACCATTTTTGTGCCCATGTTTTCTCATTCCCTTATAGGGATC[G>C]TGGAAGAATACCAATTGCCATATTACAACATGGTACCGAGTGATCCGTCATACGAAGATA-3'
Protein context (NP_004320.2, residues 440-460): MARRCITGGI[Val450Leu]EEYQLPYYNM